The following is an entry in ClinVar:

NM_032043.3(BRIP1):c.1516C>T (p.Pro506Ser)

Gene: BRIP1 (BRCA1 interacting DNA helicase 1; minus strand). Cytogenetic location: 17q23.2.
Variant type: single nucleotide variant.
Coding change: c.1516C>T on transcript NM_032043.3 (MANE Select); coding-DNA position 1516, C replaced by T.
Protein change: p.Pro506Ser; replaces proline 506 with serine.
Molecular consequence: missense variant.
Genome position (GRCh38, 1-based): chr17:61,784,382, G>A on the plus strand (C>T on the coding strand, the complement: BRIP1 is on the minus strand). VCF-style: chr17-61784382-G-A. GRCh37 (hg19) VCF-style: chr17-59861743-G-A.
Other names: short protein forms P506S.
Identifiers: ClinVar variation 1497806 (VCV001497806.9), dbSNP rs2077671245, ClinGen allele CA400481344.

ClinVar aggregate classification (germline): Uncertain significance (1 of 4 stars; one submission).

Conditions:
Fanconi anemia complementation group J. Also called: BRIP1-Related Fanconi Anemia. Identifiers: Orphanet 84, MedGen C1836860, MONDO:0012187, OMIM 609054.
Familial cancer of breast. Also called: hereditary breast carcinoma; Hereditary breast cancer; BREAST CANCER, FAMILIAL. Identifiers: Orphanet 227535, MedGen C0346153, MONDO:0016419, OMIM 114480. Disease mechanism: loss of function.

Submission:

Labcorp Genetics (formerly Invitae), Labcorp
Classification: Uncertain significance for Familial cancer of breast; Fanconi anemia complementation group J. Last evaluated: 2021-03-06. Review status: criteria provided, single submitter. Criteria: Invitae Variant Classification Sherloc (09022015). Collection method: clinical testing. Allele origin: germline.
Comment: This variant is not present in population databases (ExAC no frequency). This variant has not been reported in the literature in individuals with BRIP1-related conditions. Algorithms developed to predict the effect of missense changes on protein structure and function output the following: SIFT: "Tolerated"; PolyPhen-2: "Benign"; Align-GVGD: "Class C0". The serine amino acid residue is found in multiple mammalian species, suggesting that this missense change does not adversely affect protein function. These predictions have not been confirmed by published functional studies and their clinical significance is uncertain. In summary, the available evidence is currently insufficient to determine the role of this variant in disease. Therefore, it has been classified as a Variant of Uncertain Significance. This sequence change replaces proline with serine at codon 506 of the BRIP1 protein (p.Pro506Ser). The proline residue is weakly conserved and there is a moderate physicochemical difference between proline and serine.